The following is an entry in ClinVar:

NM_002500.5(NEUROD1):c.624G>A (p.Pro208=)

Gene: NEUROD1 (neuronal differentiation 1; minus strand). Cytogenetic location: 2q31.3.
Variant type: single nucleotide variant.
Coding change: c.624G>A on transcript NM_002500.5 (MANE Select); coding-DNA position 624, G replaced by A.
Protein change: p.Pro208=; no amino-acid change (proline 208 retained).
Molecular consequence: synonymous variant.
Genome position (GRCh38, 1-based): chr2:181,678,237, C>T on the plus strand (G>A on the coding strand, the complement: NEUROD1 is on the minus strand). VCF-style: chr2-181678237-C-T. GRCh37 (hg19) VCF-style: chr2-182542964-C-T.
Other names: c.624G>A (NM_002500.4).
Identifiers: ClinVar variation 1987662 (VCV001987662.6), dbSNP rs771969741, ClinGen allele CA2011099.

ClinVar aggregate classification (germline): Likely benign. Review status: criteria provided, single submitter (1 of 4 stars). 2 submissions from 2 submitters: Likely benign (1). 1 of the submissions does not count toward it. Last evaluated 2026-01-27.

Conditions:
NEUROD1-related disorder. Also called: NEUROD1-related condition.

Allele frequency attached by ClinVar (database versions not stated): gnomAD 0.00001; TOPMed 0.00005; ExAC 0.00008.
gnomAD v4.1: 30 of 1,614,000 alleles (0.0019%); highest among the groups gnomAD compares: Admixed American, 0.05%; no homozygotes.

Submissions (2):

Labcorp Genetics (formerly Invitae), Labcorp
Classification: Likely benign. Last evaluated: 2026-01-27. Review status: criteria provided, single submitter. Criteria: Invitae Variant Classification Sherloc (09022015). Collection method: clinical testing. Allele origin: germline.

PreventionGenetics, part of Exact Sciences
Classification: Likely benign for NEUROD1-related condition. Last evaluated: 2023-12-26. Review status: no assertion criteria provided. Collection method: clinical testing. Allele origin: germline. Not counted in ClinVar's aggregate classification.
Comment: This variant is classified as likely benign based on ACMG/AMP sequence variant interpretation guidelines (Richards et al. 2015 PMID: 25741868, with internal and published modifications).